The following is an entry in ClinVar:

NM_024422.6(DSC2):c.777C>T (p.Gly259=)

Gene: DSC2 (desmocollin 2; minus strand). Cytogenetic location: 18q12.1.
Variant type: single nucleotide variant.
Coding change: c.777C>T on transcript NM_024422.6 (MANE Select); coding-DNA position 777, C replaced by T.
Protein change: p.Gly259=; no amino-acid change (glycine 259 retained).
Molecular consequence: synonymous variant.
Genome position (GRCh38, 1-based): chr18:31,086,741, G>A on the plus strand (C>T on the coding strand, the complement: DSC2 is on the minus strand). VCF-style: chr18-31086741-G-A. GRCh37 (hg19) VCF-style: chr18-28666704-G-A.
Other names: c.777C>T, p.Gly259= (NM_004949.5).
Identifiers: ClinVar variation 468386 (VCV000468386.25), dbSNP rs565694087, ClinGen allele CA040064.

ClinVar aggregate classification (germline): Conflicting classifications of pathogenicity. Review status: criteria provided, conflicting classifications (1 of 4 stars). 8 submissions from 8 submitters: Uncertain significance (3); Likely benign (5). Last evaluated 2025-12-02.

Conditions:
Cardiovascular phenotype. Identifiers: MedGen CN230736.
Familial isolated arrhythmogenic right ventricular dysplasia. Identifiers: Orphanet 217656, MedGen C4274968, MONDO:0016342.
Arrhythmogenic right ventricular dysplasia 11. Also called: Arrhythmogenic Right Ventricular Dysplasia/Cardiomyopathy11; ARRHYTHMOGENIC RIGHT VENTRICULAR DYSPLASIA, FAMILIAL, 11; Arrhythmogenic right ventricular dysplasia 11 with mild palmoplantar keratoderma and woolly hair. Identifiers: MedGen C1864850, MONDO:0012506, OMIM 610476.
Cardiomyopathy (CMYO). Also called: Cardiomyopathies. Identifiers: Orphanet 167848, MedGen C0878544, MONDO:0004994, HP:0001638. Inheritance: Various modes of inheritance.

Allele frequency attached by ClinVar (database versions not stated): gnomAD exomes 0.00001 and 0.00002; 1000 Genomes Project 30x 0.00016; gnomAD 0.00003 and 0.00001; TOPMed 0.00002; ExAC 0.00003; 1000 Genomes Project 0.00020.
gnomAD v4.1: 22 of 1,613,812 alleles (0.0014%); highest among the groups gnomAD compares: East Asian, 0.029%; no homozygotes.

Submissions (8):

Labcorp Genetics (formerly Invitae), Labcorp
Classification: Likely benign for Arrhythmogenic right ventricular dysplasia 11. Last evaluated: 2025-12-02. Review status: criteria provided, single submitter. Criteria: Invitae Variant Classification Sherloc (09022015). Collection method: clinical testing. Allele origin: germline.

Women's Health and Genetics/Laboratory Corporation of America, LabCorp
Classification: Uncertain significance. Last evaluated: 2025-02-13. Review status: criteria provided, single submitter. Criteria: LabCorp Variant Classification Summary - May 2015. Collection method: clinical testing. Allele origin: germline.

All of Us Research Program, National Institutes of Health
Classification: Likely benign for Familial isolated arrhythmogenic right ventricular dysplasia. Last evaluated: 2023-11-20. Review status: criteria provided, single submitter. Criteria: ACMG Guidelines, 2015. Collection method: clinical testing. Allele origin: germline. Inheritance: Autosomal dominant inheritance. Observed: 2 variant alleles, 2 heterozygotes.
Comment: This study involves interpretation of variants in research participants for the purpose of population health screening. Participant phenotype was not available at the time of variant classification. Additional details can be found in publication PMID: 35346344, PMCID: PMC8962531

Clinical Genomics Laboratory, Stanford Medicine
Classification: Uncertain significance for Arrhythmogenic right ventricular dysplasia 11. Last evaluated: 2023-10-13. Review status: criteria provided, single submitter. Criteria: ACMG Guidelines, 2015. Collection method: clinical testing. Allele origin: germline. Observed: 1 variant allele, 1 heterozygote.
Comment: The p.Gly259= variant in the DSC2 gene has not been previously reported in association with disease. This variant has been identified in 5/19,886 East Asian chromosomes by the Genome Aggregation Database. This variant is present in ClinVar (Variation ID: 468386). The p.Gly259= variant is a synonymous variant which is not expected to alter the DSC2 protein. Computational splicing tools do not agree on the predicted impact to splicing; however, the accuracy of in silico algorithms is limited. These data were assessed using the ACMG/AMP variant interpretation guidelines. In summary, the significance of the p.Gly259= variant is uncertain. Additional information is needed to resolve the significance of this variant. [ACMG evidence codes used: None]

Ambry Genetics
Classification: Likely benign for Cardiovascular phenotype. Last evaluated: 2020-08-11. Review status: criteria provided, single submitter. Criteria: Ambry Variant Classification Scheme 2023. Collection method: clinical testing. Allele origin: germline.

Mayo Clinic Laboratories, Mayo Clinic
Classification: Uncertain significance. Last evaluated: 2019-04-08. Review status: criteria provided, single submitter. Criteria: ACMG Guidelines, 2015. Collection method: clinical testing. Allele origin: germline. Observed: 1 variant allele.

GeneDx
Classification: Likely benign. Last evaluated: 2019-03-28. Review status: criteria provided, single submitter. Criteria: GeneDx Variant Classification Process June 2021. Collection method: clinical testing. Allele origin: germline. Affected: yes.

Color Diagnostics, LLC DBA Color Health
Classification: Likely benign for Cardiomyopathy. Last evaluated: 2019-01-06. Review status: criteria provided, single submitter. Criteria: ACMG Guidelines, 2015. Collection method: clinical testing. Allele origin: germline.